The following is an entry in ClinVar:

ClinVar aggregate classification (germline): Uncertain significance. Review status: criteria provided, multiple submitters, no conflicts (2 of 4 stars). 2 submissions from 2 submitters: Uncertain significance (2). Last evaluated 2026-08-27.

Conditions:
Hereditary cancer-predisposing syndrome. Also called: Hereditary Cancer Syndrome; Hereditary neoplastic syndrome; Neoplastic Syndromes, Hereditary; Tumor predisposition. Identifiers: Orphanet 140162, MedGen C0027672, MeSH D009386, MONDO:0015356.
Fanconi anemia complementation group J. Also called: BRIP1-Related Fanconi Anemia. Identifiers: Orphanet 84, MedGen C1836860, MONDO:0012187, OMIM 609054.
Familial cancer of breast. Also called: BREAST CANCER, FAMILIAL; Hereditary breast cancer; hereditary breast carcinoma. Identifiers: Orphanet 227535, MedGen C0346153, MONDO:0016419, OMIM 114480. Disease mechanism: loss of function.

gnomAD v4.1: 1 of 1,614,128 alleles (0.000062%); highest among the groups gnomAD compares: South Asian, 0.0011%; no homozygotes.

Submissions (2):

Ambry Genetics
Classification: Uncertain significance for Hereditary cancer-predisposing syndrome. Last evaluated: 2026-08-27. Review status: criteria provided, single submitter. Criteria: Ambry Variant Classification Scheme 2023. Collection method: clinical testing. Allele origin: germline.
Comment: The p.Q867R variant (also known as c.2600A>G), located in coding exon 18 of the BRIP1 gene, results from an A to G substitution at nucleotide position 2600. The glutamine at codon 867 is replaced by arginine, an amino acid with highly similar properties. This amino acid position is conserved. In addition, this alteration is predicted to be tolerated by in silico analysis. Based on the available evidence, the clinical significance of this variant remains unclear.

Labcorp Genetics (formerly Invitae), Labcorp
Classification: Uncertain significance for Familial cancer of breast; Fanconi anemia complementation group J. Last evaluated: 2025-12-19. Review status: criteria provided, single submitter. Criteria: Invitae Variant Classification Sherloc (09022015). Collection method: clinical testing. Allele origin: germline.
Comment: This sequence change replaces glutamine, which is neutral and polar, with arginine, which is basic and polar, at codon 867 of the BRIP1 protein (p.Gln867Arg). This variant is not present in population databases (gnomAD no frequency). This variant has not been reported in the literature in individuals affected with BRIP1-related conditions. Invitae Evidence Modeling of protein sequence and biophysical properties (such as structural, functional, and spatial information, amino acid conservation, physicochemical variation, residue mobility, and thermodynamic stability) indicates that this missense variant is not expected to disrupt BRIP1 protein function with a negative predictive value of 95%. In summary, the available evidence is currently insufficient to determine the role of this variant in disease. Therefore, it has been classified as a Variant of Uncertain Significance.

NM_032043.3(BRIP1):c.2600A>G (p.Gln867Arg)

Gene: BRIP1 (BRCA1 interacting DNA helicase 1; minus strand). Cytogenetic location: 17q23.2.
Variant type: single nucleotide variant.
Coding change: c.2600A>G on transcript NM_032043.3 (MANE Select); coding-DNA position 2600, A replaced by G.
Protein change: p.Gln867Arg; replaces glutamine 867 with arginine.
Molecular consequence: missense variant.
Genome position (GRCh38, 1-based): chr17:61,686,141, T>C on the plus strand (A>G on the coding strand, the complement: BRIP1 is on the minus strand). VCF-style: chr17-61686141-T-C. GRCh37 (hg19) VCF-style: chr17-59763502-T-C.
Other names: short protein forms Q867R.
Identifiers: ClinVar variation 4790004 (VCV004790004.2).